The following is an entry in ClinVar:

ClinVar aggregate classification (germline): Uncertain significance (1 of 4 stars; one submission).

Conditions:
Developmental and epileptic encephalopathy, 23 (DEE23). Also called: Epileptic encephalopathy, early infantile, 23. Identifiers: Orphanet 411986, MedGen C4014492, MONDO:0014371, OMIM 615859.

Allele frequency attached by ClinVar (database versions not stated): TOPMed below 0.00001; gnomAD 0.00001.

Submission:

Labcorp Genetics (formerly Invitae), Labcorp
Classification: Uncertain significance for Developmental and epileptic encephalopathy, 23. Last evaluated: 2023-11-27. Review status: criteria provided, single submitter. Criteria: Invitae Variant Classification Sherloc (09022015). Collection method: clinical testing. Allele origin: germline.
Comment: This sequence change replaces glutamine, which is neutral and polar, with histidine, which is basic and polar, at codon 173 of the DOCK7 protein (p.Gln173His). This variant is not present in population databases (gnomAD no frequency). This variant has not been reported in the literature in individuals affected with DOCK7-related conditions. ClinVar contains an entry for this variant (Variation ID: 2026858). An algorithm developed to predict the effect of missense changes on protein structure and function (PolyPhen-2) suggests that this variant is likely to be disruptive. In summary, the available evidence is currently insufficient to determine the role of this variant in disease. Therefore, it has been classified as a Variant of Uncertain Significance.

NM_001367561.1(DOCK7):c.519A>T (p.Gln173His)

Gene: DOCK7 (dedicator of cytokinesis 7; minus strand). Cytogenetic location: 1p31.3.
Variant type: single nucleotide variant.
Coding change: c.519A>T on transcript NM_001367561.1 (MANE Select); coding-DNA position 519, A replaced by T.
Protein change: p.Gln173His; replaces glutamine 173 with histidine.
Molecular consequence: missense variant.
Genome position (GRCh38, 1-based): chr1:62,648,415, T>A on the plus strand (A>T on the coding strand, the complement: DOCK7 is on the minus strand). VCF-style: chr1-62648415-T-A. GRCh37 (hg19) VCF-style: chr1-63114086-T-A.
Other names: c.519A>T, p.Gln173His (NM_001271999.2, NM_001272000.2, NM_001272001.2 and 3 more transcripts); short protein forms Q173H.
Identifiers: ClinVar variation 2026858 (VCV002026858.4), dbSNP rs1656939651, ClinGen allele CA340628395.